The following is an entry in ClinVar:

NM_000368.5(TSC1):c.2976-17C>T

Gene: TSC1 (TSC complex subunit 1; minus strand). Cytogenetic location: 9q34.13.
Variant type: single nucleotide variant.
Coding change: c.2976-17C>T on transcript NM_000368.5 (MANE Select); 17 bases into the intron before coding-DNA position 2976, C replaced by T.
Molecular consequence: intron variant.
Genome position (GRCh38, 1-based): chr9:132,896,771, G>A on the plus strand (C>T on the coding strand, the complement: TSC1 is on the minus strand). VCF-style: chr9-132896771-G-A. GRCh37 (hg19) VCF-style: chr9-135772158-G-A.
Other names: c.2613-17C>T (NM_001362177.2); c.2823-17C>T (NM_001162427.2); c.2973-17C>T (NM_001162426.2).
Identifiers: ClinVar variation 2025296 (VCV002025296.5), dbSNP rs2538461850, ClinGen allele CA2579494067.

ClinVar aggregate classification (germline): Likely benign. Review status: criteria provided, multiple submitters, no conflicts (2 of 4 stars). 2 submissions from 2 submitters: Likely benign (2). Last evaluated 2025-04-29.

Conditions:
Tuberous sclerosis 1 (TSC1). Identifiers: Orphanet 805, MedGen C1854465, MONDO:0008612, OMIM 191100.

gnomAD v4.1: 1 of 1,613,454 alleles (0.000062%); highest among the groups gnomAD compares: Non-Finnish European, 0.000085%; no homozygotes.

Submissions (2):

Myriad Genetics, Inc.
Classification: Likely benign for Tuberous sclerosis 1. Last evaluated: 2025-04-29. Review status: criteria provided, single submitter. Criteria: Myriad Autosomal Dominant, Autosomal Recessive and X-Linked Classification Criteria (2023). Collection method: clinical testing. Allele origin: unknown.
Comment: This variant is considered likely benign. This variant is intronic and is not expected to impact mRNA splicing.

Labcorp Genetics (formerly Invitae), Labcorp
Classification: Likely benign for Tuberous sclerosis 1. Last evaluated: 2023-10-12. Review status: criteria provided, single submitter. Criteria: Invitae Variant Classification Sherloc (09022015). Collection method: clinical testing. Allele origin: germline.